The following is an entry in ClinVar:

ClinVar aggregate classification (germline): Pathogenic/Likely pathogenic. Review status: criteria provided, multiple submitters, no conflicts (2 of 4 stars). 22 submissions from 22 submitters: Pathogenic (16); Likely pathogenic (1). 5 of the submissions do not count toward it. Last evaluated 2026-01-19.

Conditions:
Pancreatic cancer, susceptibility to, 3. Identifiers: Orphanet 1333, MedGen C3150547, MONDO:0013236, OMIM 613348.
Fanconi anemia complementation group N. Also called: PALB2-Related Fanconi Anemia. Identifiers: Orphanet 84, MedGen C1835817, MONDO:0012565, OMIM 610832. Disease mechanism: loss of function.
Breast-ovarian cancer, familial, susceptibility to, 5 (BROVCA5). Identifiers: MedGen C5830615, MONDO:0957530, OMIM 620442.
autosomal dominant PALB2-related cancer predisposition.
PALB2-related disorder. Also called: PALB2-related condition; PALB2-related disorders.
Familial cancer of breast. Also called: BREAST CANCER, FAMILIAL; hereditary breast carcinoma; Hereditary breast cancer. Identifiers: Orphanet 227535, MedGen C0346153, MONDO:0016419, OMIM 114480. Disease mechanism: loss of function.
Hereditary cancer-predisposing syndrome. Also called: Neoplastic Syndromes, Hereditary; Hereditary Cancer Syndrome; Hereditary neoplastic syndrome; Tumor predisposition. Identifiers: Orphanet 140162, MedGen C0027672, MeSH D009386, MONDO:0015356.
Hereditary breast ovarian cancer syndrome. Also called: Hereditary breast and ovarian cancer syndrome; Hereditary breast and ovarian cancer; Hereditary breast and/or ovarian cancer syndrome; BRCA1- and BRCA2-Associated Hereditary Breast and Ovarian Cancer; Hereditary breast and ovarian cancer syndrome (HBOC); Breast and ovarian cancer. Identifiers: Orphanet 145, MedGen C0677776, MeSH D061325, MONDO:0003582. Disease mechanism: loss of function.

Allele frequency attached by ClinVar (database versions not stated): gnomAD 0.00001; gnomAD exomes 0.00002 and 0.00001; ExAC 0.00003; ESP Exome Variant Server 0.00008; TOPMed 0.00003.

Submissions 1 to 11 of 22:

Labcorp Genetics (formerly Invitae), Labcorp
Classification: Pathogenic for Familial cancer of breast. Last evaluated: 2026-01-19. Review status: criteria provided, single submitter. Criteria: Invitae Variant Classification Sherloc (09022015). Collection method: clinical testing. Allele origin: germline.
Comment: This sequence change creates a premature translational stop signal (p.Ser254Ilefs*3) in the PALB2 gene. It is expected to result in an absent or disrupted protein product. Loss-of-function variants in PALB2 are known to be pathogenic (PMID: 17200668, 17200671, 17200672, 24136930, 25099575). This variant is present in population databases (rs756660214, gnomAD 0.005%). This premature translational stop signal has been observed in individual(s) with breast and ovarian cancer (PMID: 21932393, 22692731, 23110154, 23824750, 24448499, 24870022, 26283626). ClinVar contains an entry for this variant (Variation ID: 126769). For these reasons, this variant has been classified as Pathogenic.

Variantyx, Inc.
Classification: Pathogenic for autosomal dominant PALB2-related cancer predisposition. Last evaluated: 2026-01-16. Review status: criteria provided, single submitter. Criteria: Variantyx Assertion Criteria 2022. Collection method: clinical testing. Allele origin: germline. Inheritance: Autosomal dominant inheritance. Affected: yes.
Comment: This is a frameshift variant in the PALB2 gene (OMIM: 610355). Pathogenic variants in this gene have been associated with autosomal dominant PALB2-related cancer predisposition. This variant introduces a premature termination codon in exon 4 out of 13 and is expected to result in loss of function, which is a known disease mechanism for PALB2 in this disorder (PMID: 21932393) (PVS1). This variant has been reported in at least three unrelated affected individuals (PMID: 21932393, 32854451) (PS4_Moderate). It has a 0.0017% maximum allele frequency in non-founder control populations (PM2). Based on the current evidence, this variant is classified as pathogenic for autosomal dominant PALB2-related cancer predisposition.

Ambry Genetics
Classification: Pathogenic for Hereditary cancer-predisposing syndrome. Last evaluated: 2025-02-06. Review status: criteria provided, single submitter. Criteria: Ambry Variant Classification Scheme 2023. Collection method: clinical testing. Allele origin: germline.
Comment: The c.758dupT pathogenic mutation, located in coding exon 4 of the PALB2 gene, results from a duplication of T at nucleotide position 758, causing a translational frameshift with a predicted alternate stop codon (p.S254Ifs*3). This mutation has previously been reported in multiple individuals affected with breast and/or ovarian cancer (Zheng Y et al. Cancer. 2012 Mar;118:1362-70; Pern F et al. PLoS ONE. 2012 Oct;7:e47993; Wong-Brown MW et al. Int. J. Cancer. 2014 Jan;134:301-5; Churpek JE et al. Breast Cancer Res. Treat. 2015 Jan;149:31-9; Thompson ER et al. Breast Cancer Res. 2015 Aug;17:111; Lu C et al. Nat Commun. 2015 Dec 22;6:10086; Thompson ER et al. J Clin Oncol, 2016 May;34:1455-9; Decker B et al. J Med Genet, 2017 11;54:732-741; Lerner-Ellis J et al. Breast Cancer Res. Treat. 2017 04;162:591-596; Momozawa Y et al. Nat Commun, 2018 10;9:4083; Carter NJ et al. Gynecol Oncol, 2018 12;151:481-48; Fanale D et al. Cancers (Basel), 2020 Aug;12; Dorling et al. N Engl J Med. 2021 02;384:428-439). In addition to the clinical data presented in the literature, this alteration is expected to result in loss of function by premature protein truncation or nonsense-mediated mRNA decay. As such, this alteration is interpreted as a disease-causing mutation.

Molecular Pathology, Peter Maccallum Cancer Centre
Classification: Pathogenic for Familial cancer of breast. Last evaluated: 2024-11-11. Review status: criteria provided, single submitter. Criteria: ACMG Guidelines, 2015. Collection method: clinical testing. Allele origin: germline. Inheritance: Autosomal dominant inheritance.

Baylor Genetics
Classification: Pathogenic for Familial cancer of breast. Last evaluated: 2024-03-11. Review status: criteria provided, single submitter. Criteria: ACMG Guidelines, 2015. Collection method: clinical testing. Allele origin: unknown.

Color Diagnostics, LLC DBA Color Health
Classification: Pathogenic for Hereditary cancer-predisposing syndrome. Last evaluated: 2023-12-12. Review status: criteria provided, single submitter. Criteria: ACMG Guidelines, 2015. Collection method: clinical testing. Allele origin: germline.
Comment: This variant inserts 1 nucleotide in exon 4 of the PALB2 gene, creating a frameshift and premature translation stop signal. This variant is expected to result in an absent or non-functional protein product. This variant has been observed in individuals affected with breast cancer (PMID: 21932393, 22692731, 23110154, 23824750, 26283626, 32854451) and ovarian cancer (PMID: 24448499). This variant has been reported in a breast cancer case-control meta-analysis in 2/60466 cases and absent in 53461 unaffected individuals (PMID: 33471991; Leiden Open Variation Database DB-ID PALB2_010046). This variant has been identified in 6/251366 chromosomes in the general population by the Genome Aggregation Database (gnomAD). Loss of PALB2 function is a known mechanism of disease. Based on the available evidence, this variant is classified as Pathogenic.

GeneDx
Classification: Pathogenic. Last evaluated: 2023-05-20. Review status: criteria provided, single submitter. Criteria: GeneDx Variant Classification Process June 2021. Collection method: clinical testing. Allele origin: germline. Affected: yes.
Comment: Frameshift variant predicted to result in protein truncation or nonsense mediated decay in a gene for which loss-of-function is a known mechanism of disease; Observed in individuals with breast cancer, melanoma, or ovarian cancer (Pern et al., 2012; Zheng et al., 2012; Kanchi et al., 2014; Wong-Brown et al., 2014; Churpek et al., 2015; Thompson et al., 2015); Not observed at significant frequency in large population cohorts (gnomAD); Truncating variants in this gene are considered pathogenic by a well-established clinical consortium and/or database; This variant is associated with the following publications: (PMID: 23110154, 25428789, 27978560, 22692731, 32782288, 29922827, 21932393, 24448499, 23824750, 25980754, 26283626, 28194609, 28779002, 24870022, 24763289, 30322717, 29625052, 26689913, 32854451, 33646313, 35626031)

Myriad Genetics, Inc.
Classification: Pathogenic for Familial cancer of breast. Last evaluated: 2023-03-31. Review status: criteria provided, single submitter. Criteria: Myriad Autosomal Dominant, Autosomal Recessive and X-Linked Classification Criteria (2023). Collection method: clinical testing. Allele origin: unknown.
Comment: This variant is considered pathogenic. This variant creates a frameshift predicted to result in premature protein truncation.

Greenwood Genetic Center Diagnostic Laboratories, Greenwood Genetic Center
Classification: Pathogenic for Familial cancer of breast. Last evaluated: 2022-07-14. Review status: criteria provided, single submitter. Criteria: ACMG Guidelines, 2015. Collection method: clinical testing. Allele origin: germline.
Comment: PVS1, PS4, PM2

Quest Diagnostics Nichols Institute San Juan Capistrano
Classification: Pathogenic. Last evaluated: 2022-01-04. Review status: criteria provided, single submitter. Criteria: Quest Diagnostics criteria. Collection method: clinical testing. Allele origin: unknown.
Comment: This frameshift variant alters the translational reading frame of the PALB2 mRNA and causes the premature termination of PALB2 protein synthesis. The frequency of this variant in the general population, 0.000053 (6/113690 chromosomes), is consistent with pathogenicity. In the published literature, the variant has been reported in individuals affected with breast and/or ovarian cancer (PMIDs: 32854451 (2020), 30287823 (2018), 28194609 (2017), 26283626 (2015), 23824750 (2014)). Based on the available information, this variant is classified as pathogenic.

Fulgent Genetics
Classification: Pathogenic for Familial cancer of breast; Fanconi anemia complementation group N; Pancreatic cancer, susceptibility to, 3. Last evaluated: 2021-12-25. Review status: criteria provided, single submitter. Criteria: ACMG Guidelines, 2015. Collection method: clinical testing. Allele origin: unknown.

NM_024675.4(PALB2):c.758dup (p.Ser254fs)

Gene: PALB2 (partner and localizer of BRCA2; minus strand). Cytogenetic location: 16p12.2.
Variant type: Duplication.
Coding change: c.758dup on transcript NM_024675.4 (MANE Select); coding-DNA position 758, one base duplicated (T; older notation c.758dupT).
Protein change: p.Ser254fs; shifts the reading frame from serine 254.
Molecular consequence: frameshift variant.
Genome position (GRCh38, 1-based): chr16:23,635,788, A duplicated on the plus strand (T on the coding strand, the reverse complement: PALB2 is on the minus strand). VCF-style (leftmost placement, unchanged base first): chr16-23635787-T-TA. GRCh37 (hg19) VCF-style: chr16-23647108-T-TA.
Other names: c.758dupT (NM_024675.3); short protein forms S254fs.
Identifiers: ClinVar variation 126769 (VCV000126769.55), dbSNP rs515726126, ClinGen allele CA294009.